The following is an entry in ClinVar:

NM_000238.4(KCNH2):c.1499T>A (p.Ile500Asn)

Gene: KCNH2 (potassium voltage-gated channel subfamily H member 2; minus strand). Cytogenetic location: 7q36.1.
Variant type: single nucleotide variant.
Coding change: c.1499T>A on transcript NM_000238.4 (MANE Select); coding-DNA position 1499, T replaced by A.
Protein change: p.Ile500Asn; replaces isoleucine 500 with asparagine.
Molecular consequence: missense variant.
Genome position (GRCh38, 1-based): chr7:150,952,483, A>T on the plus strand (T>A on the coding strand, the complement: KCNH2 is on the minus strand). VCF-style: chr7-150952483-A-T. GRCh37 (hg19) VCF-style: chr7-150649571-A-T.
Other names: c.479T>A, p.Ile160Asn (NM_001204798.2, NM_172057.3); c.1211T>A, p.Ile404Asn (NM_001406753.1, NM_001406756.1); c.1322T>A, p.Ile441Asn (NM_001406755.1); c.1199T>A, p.Ile400Asn (NM_001406757.1); c.1499T>A, p.Ile500Asn (NM_172056.3); short protein forms I500N, I160N, I404N, I400N, I441N.
Identifiers: ClinVar variation 1352292 (VCV001352292.9), dbSNP rs2116969573, ClinGen allele CA369859629.

ClinVar aggregate classification (germline): Uncertain significance (1 of 4 stars; one submission).

Conditions:
Long QT syndrome (LQTS). Identifiers: MedGen C0023976, MeSH D008133, MONDO:0002442. Disease mechanism: loss of function. Inheritance: Various modes of inheritance.

Submission:

Labcorp Genetics (formerly Invitae), Labcorp
Classification: Uncertain significance for Long QT syndrome. Last evaluated: 2023-04-24. Review status: criteria provided, single submitter. Criteria: Invitae Variant Classification Sherloc (09022015). Collection method: clinical testing. Allele origin: germline.
Comment: This sequence change replaces isoleucine, which is neutral and non-polar, with asparagine, which is neutral and polar, at codon 500 of the KCNH2 protein (p.Ile500Asn). This variant is not present in population databases (gnomAD no frequency). This variant has not been reported in the literature in individuals affected with KCNH2-related conditions. ClinVar contains an entry for this variant (Variation ID: 1352292). An algorithm developed to predict the effect of missense changes on protein structure and function (PolyPhen-2) suggests that this variant is likely to be disruptive. In summary, the available evidence is currently insufficient to determine the role of this variant in disease. Therefore, it has been classified as a Variant of Uncertain Significance.